The following is an entry in ClinVar:

NM_032816.5(CEP89):c.1801G>C (p.Ala601Pro)

Gene: CEP89 (centrosomal protein 89; minus strand). Cytogenetic location: 19q13.11.
Variant type: single nucleotide variant.
Coding change: c.1801G>C on transcript NM_032816.5 (MANE Select); coding-DNA position 1801, G replaced by C.
Protein change: p.Ala601Pro; replaces alanine 601 with proline.
Molecular consequence: missense variant.
Genome position (GRCh38, 1-based): chr19:32,899,931, C>G on the plus strand (G>C on the coding strand, the complement: CEP89 is on the minus strand). VCF-style: chr19-32899931-C-G. GRCh37 (hg19) VCF-style: chr19-33390837-C-G.
Other names: short protein forms A601P.
Identifiers: ClinVar variation 3027156 (VCV003027156.22), dbSNP rs1969728752, ClinGen allele CA405195940.
Genomic context (GRCh38, chr19:32,899,931, plus strand): 5'-TGTCACGTTCCTGGGTTATGTTTTCTGCCAGGCCAACAAGGTTTGCCAGGTACTGATGAG[C>G]AGACATTTCGTTCCCCATGGCTTTTTCCACCTGCTTTTTGAGGACCTCAATTTTCTTTTG-3'
Protein context (NP_116205.3, residues 591-611): VEKAMGNEMS[Ala601Pro]HQYLANLVGL

ClinVar aggregate classification (germline): Uncertain significance (1 of 4 stars; one submission).

Submission:

CeGaT Center for Human Genetics Tuebingen
Classification: Uncertain significance. Last evaluated: 2024-01-01. Review status: criteria provided, single submitter. Criteria: CeGaT Center For Human Genetics Tuebingen Variant Classification Criteria Version 2. Collection method: clinical testing. Allele origin: germline. Affected: yes. Observed: 1 variant allele.
Comment: CEP89: PM2